The following is an entry in ClinVar:

ClinVar aggregate classification (germline): Likely pathogenic (1 of 4 stars; one submission).

Conditions:
Familial intrahepatic cholestasis. Identifiers: Orphanet 284385, MedGen CN296401, MONDO:0017290.

Submission:

Genomenon, Inc
Classification: Likely pathogenic for Familial intrahepatic cholestasis. Last evaluated: 2026-04-14. Review status: criteria provided, single submitter. Criteria: Genomenon Sequence Variant Interpretation Standards - Updated. Collection method: curation. Allele origin: germline. Affected: yes.
Comment: ATP8B1 p.Gln1142ThrfsTer35 (c.3422dup) is a frameshift variant that results in the production of a truncated protein. This variant has been observed in at least one proband with features of ATP8B1-deficiency (PMID:28733223). It is absent or not present at a significant frequency in gnomAD. In conclusion, we classify ATP8B1 p.Gln1142ThrfsTer35 (c.3422dup) as a likely pathogenic variant.

Literature cited by the submitters: PubMed 28733223.

NM_001374385.1(ATP8B1):c.3422dup (p.Gln1142fs)

Genes: ATP8B1 (ATPase phospholipid transporting 8B1; minus strand), ATP8B1-AS1 (ATP8B1 antisense RNA 1; plus strand). Cytogenetic location: 18q21.31.
Variant type: Duplication.
Coding change: c.3422dup on transcript NM_001374385.1 (MANE Select); coding-DNA position 3422, one base duplicated (G; older notation c.3422dupG).
Protein change: p.Gln1142fs; shifts the reading frame from glutamine 1142.
Molecular consequence: frameshift variant.
Genome position (GRCh38, 1-based): chr18:57,650,476, C duplicated on the plus strand (G on the coding strand, the reverse complement: ATP8B1 is on the minus strand). VCF-style (leftmost placement, unchanged base first): chr18-57650475-T-TC. GRCh37 (hg19) VCF-style: chr18-55317707-T-TC.
Other names: c.3272dup, p.Gln1092fs (NM_001374386.1); c.3422dup, p.Gln1142fs (NM_005603.6); short protein forms Q1092fs, Q1142fs.
Identifiers: ClinVar variation 4846267 (VCV004846267.1).
Genomic context (GRCh38, chr18:57,650,475, plus strand): 5'-AACGACGGGTAGTAAGCACACAGCAACAGCCAGGATGATAGTTAACCAAATGTATGGCTG[T>TC]CTCAGAGCGTTTGAAGCTGTGCCTGTAAAGAACATGGCAAATGCATCACTGTGGTTCTTT-3'